The following is an entry in ClinVar:

ClinVar aggregate classification (germline): Uncertain significance (1 of 4 stars; one submission).

Allele frequency attached by ClinVar (database versions not stated): gnomAD exomes below 0.00001.
gnomAD v4.1: 1 of 1,613,460 alleles (0.000062%); highest among the groups gnomAD compares: Non-Finnish European, 0.000085%; no homozygotes.

Submission:

Labcorp Genetics (formerly Invitae), Labcorp
Classification: Uncertain significance. Last evaluated: 2021-07-10. Review status: criteria provided, single submitter. Criteria: Invitae Variant Classification Sherloc (09022015). Collection method: clinical testing. Allele origin: germline.
Comment: This sequence change replaces methionine with leucine at codon 605 of the CLCN6 protein (p.Met605Leu). The methionine residue is highly conserved and there is a small physicochemical difference between methionine and leucine. In summary, the available evidence is currently insufficient to determine the role of this variant in disease. Therefore, it has been classified as a Variant of Uncertain Significance. Algorithms developed to predict the effect of missense changes on protein structure and function are either unavailable or do not agree on the potential impact of this missense change (SIFT: "Deleterious"; PolyPhen-2: "Probably Damaging"; Align-GVGD: "Class C0"). This variant has not been reported in the literature in individuals with CLCN6-related conditions. This variant is not present in population databases (ExAC no frequency).

NM_001286.5(CLCN6):c.1813A>T (p.Met605Leu)

Gene: CLCN6 (chloride voltage-gated channel 6; plus strand). Cytogenetic location: 1p36.22.
Variant type: single nucleotide variant.
Coding change: c.1813A>T on transcript NM_001286.5 (MANE Select); coding-DNA position 1813, A replaced by T.
Protein change: p.Met605Leu; replaces methionine 605 with leucine.
Molecular consequence: missense variant. On other transcripts: non-coding transcript variant (1).
Genome position (GRCh38, 1-based): chr1:11,835,986, A>T. VCF-style: chr1-11835986-A-T. GRCh37 (hg19) VCF-style: chr1-11896043-A-T.
Other names: c.1747A>T, p.Met583Leu (NM_001256959.2); short protein forms M583L, M605L.
Identifiers: ClinVar variation 1420015 (VCV001420015.8), dbSNP rs2100656472, ClinGen allele CA338437631.